The following is an entry in ClinVar:

ClinVar aggregate classification (germline): Uncertain significance (1 of 4 stars; one submission).

Submission:

GeneDx
Classification: Uncertain significance. Last evaluated: 2021-01-26. Review status: criteria provided, single submitter. Criteria: GeneDx Variant Classification Process June 2021. Collection method: clinical testing. Allele origin: germline. Affected: yes.
Comment: Not observed in large population cohorts (Lek et al., 2016); In silico analysis supports that this missense variant has a deleterious effect on protein structure/function; Has not been previously published as pathogenic or benign to our knowledge

NM_000540.3(RYR1):c.13714T>C (p.Phe4572Leu)

Gene: RYR1 (ryanodine receptor 1; plus strand). Cytogenetic location: 19q13.2.
Variant type: single nucleotide variant.
Coding change: c.13714T>C on transcript NM_000540.3 (MANE Select); coding-DNA position 13714, T replaced by C.
Protein change: p.Phe4572Leu; replaces phenylalanine 4572 with leucine.
Molecular consequence: missense variant.
Genome position (GRCh38, 1-based): chr19:38,570,661, T>C. VCF-style: chr19-38570661-T-C. GRCh37 (hg19) VCF-style: chr19-39061301-T-C.
Other names: c.13699T>C, p.Phe4567Leu (NM_001042723.2); short protein forms F4567L, F4572L.
Identifiers: ClinVar variation 1303845 (VCV001303845.2), dbSNP rs2145865333, ClinGen allele CA405678877.